The following is an entry in ClinVar:

ClinVar aggregate classification (germline): Uncertain significance (1 of 4 stars; one submission).

Conditions:
Amyotrophic lateral sclerosis type 21. Also called: MYOPATHY, DISTAL, 2; VOCAL CORD AND PHARYNGEAL DYSFUNCTION WITH DISTAL MYOPATHY. Identifiers: Orphanet 600, Orphanet 803, MedGen C3807521, MONDO:0011632, OMIM 606070.

Submission:

Labcorp Genetics (formerly Invitae), Labcorp
Classification: Uncertain significance for Amyotrophic lateral sclerosis type 21. Last evaluated: 2023-02-16. Review status: criteria provided, single submitter. Criteria: Invitae Variant Classification Sherloc (09022015). Collection method: clinical testing. Allele origin: germline.
Comment: In summary, the available evidence is currently insufficient to determine the role of this variant in disease. Therefore, it has been classified as a Variant of Uncertain Significance. Algorithms developed to predict the effect of sequence changes on RNA splicing suggest that this variant may disrupt the consensus splice site. This variant has not been reported in the literature in individuals affected with MATR3-related conditions. This variant is not present in population databases (gnomAD no frequency). This sequence change falls in intron 6 of the MATR3 gene. It does not directly change the encoded amino acid sequence of the MATR3 protein.

NM_018834.6(MATR3):c.975-9T>G

Gene: MATR3 (matrin 3; plus strand). Cytogenetic location: 5q31.2.
Variant type: single nucleotide variant.
Coding change: c.975-9T>G on transcript NM_018834.6 (MANE Select); 9 bases into the intron before coding-DNA position 975, T replaced by G.
Molecular consequence: intron variant.
Genome position (GRCh38, 1-based): chr5:139,315,688, T>G. VCF-style: chr5-139315688-T-G. GRCh37 (hg19) VCF-style: chr5-138651377-T-G.
Other names: c.975-9T>G (NM_001400451.1, NM_001400450.1, NM_001400441.1 and 16 more transcripts); c.114-9T>G (NM_001400459.1); c.-40-9T>G (NM_001400463.1, NM_001400460.1, NM_001282278.2 and 5 more transcripts); c.75-9T>G (NM_001400461.1); c.111-9T>G (NM_001194956.2).
Identifiers: ClinVar variation 2835422 (VCV002835422.3), dbSNP rs2546807436, ClinGen allele CA2739275101.
Genomic context (GRCh38, chr5:139,315,688, plus strand): 5'-AGGCCAAACAAGGCTGTTTTGTGAAAAGGACAGTTTTATTTTAAAGTTAATTTTCTGGTC[T>G]TTTTAAAGCTACCCAGAATGGAATCCTGACAATGATACAGGACACACAATGTAAGTTAAA-3'